The following is an entry in ClinVar:

NM_001105206.3(LAMA4):c.2419C>A (p.Pro807Thr)

Gene: LAMA4 (laminin subunit alpha 4; minus strand). Cytogenetic location: 6q21.
Variant type: single nucleotide variant.
Coding change: c.2419C>A on transcript NM_001105206.3 (MANE Select); coding-DNA position 2419, C replaced by A.
Protein change: p.Pro807Thr; replaces proline 807 with threonine.
Molecular consequence: missense variant.
Genome position (GRCh38, 1-based): chr6:112,144,868, G>T on the plus strand (C>A on the coding strand, the complement: LAMA4 is on the minus strand). VCF-style: chr6-112144868-G-T. GRCh37 (hg19) VCF-style: chr6-112466070-G-T.
Other names: c.2398C>A, p.Pro800Thr (NM_001105207.3, NM_002290.5); short protein forms P800T, P807T.
Identifiers: ClinVar variation 1790644 (VCV001790644.3), dbSNP rs1554334147, ClinGen allele CA365382821.

ClinVar aggregate classification (germline): Uncertain significance (1 of 4 stars; one submission).

Conditions:
Cardiovascular phenotype. Identifiers: MedGen CN230736.

Allele frequency attached by ClinVar (database versions not stated): TOPMed below 0.00001; gnomAD 0.00001; gnomAD exomes 0.00001.
gnomAD v4.1: 5 of 1,613,908 alleles (0.00031%); highest among the groups gnomAD compares: African/African-American, 0.0013%; no homozygotes.

Submission:

Ambry Genetics
Classification: Uncertain significance for Cardiovascular phenotype. Last evaluated: 2024-10-08. Review status: criteria provided, single submitter. Criteria: Ambry Variant Classification Scheme 2023. Collection method: clinical testing. Allele origin: germline.
Comment: The p.P800T variant (also known as c.2398C>A), located in coding exon 18 of the LAMA4 gene, results from a C to A substitution at nucleotide position 2398. The proline at codon 800 is replaced by threonine, an amino acid with highly similar properties. This amino acid position is conserved. In addition, the in silico prediction for this alteration is inconclusive. Since supporting evidence is limited at this time, the clinical significance of this alteration remains unclear.